The following is an entry in ClinVar:

ClinVar aggregate classification (germline): Pathogenic (1 of 4 stars; one submission).

Conditions:
Greig cephalopolysyndactyly syndrome (GCPS). Also called: POLYSYNDACTYLY WITH PECULIAR SKULL SHAPE; Greig syndrome; GLI3-Related Greig Cephalopolysyndactyly Syndrome. Identifiers: Orphanet 380, MedGen C0265306, MONDO:0008287, OMIM 175700.

Submission:

Department of Genetics, Sultan Qaboos University Hospital
Classification: Pathogenic for Greig cephalopolysyndactyly syndrome. Last evaluated: 2026-04-01. Review status: criteria provided, single submitter. Criteria: ACMG Guidelines, 2015. Collection method: clinical testing. Allele origin: germline. Affected: yes. Observed: 1 variant allele.
Comment: PM2_Supporting, PVS1, PM6_Moderate

NM_000168.6(GLI3):c.2104-2_2108dup

Gene: GLI3 (GLI family zinc finger 3; minus strand). Cytogenetic location: 7p14.1.
Variant type: Duplication.
Coding change: c.2104-2_2108dup on transcript NM_000168.6 (MANE Select); the canonical splice acceptor site of the intron before coding-DNA position 2104 through coding-DNA position 2108, 7 bases duplicated (AGACATC; older notation c.2104-2_2108dupAGACATC).
Molecular consequence: splice acceptor variant.
Genome position (GRCh38, 1-based): chr7:41,967,919-41,967,925, GATGTCT duplicated on the plus strand (AGACATC on the coding strand, the reverse complement: GLI3 is on the minus strand); duplicating any 7 consecutive bases within chr7:41,967,919-41,967,926 gives the same sequence; the c. name uses the placement nearest the transcript's 3' end. VCF-style (leftmost placement, unchanged base first): chr7-41967918-A-AGATGTCT. GRCh37 (hg19) VCF-style: chr7-42007516-A-AGATGTCT.
Identifiers: ClinVar variation 4852408 (VCV004852408.1).